The following is an entry in ClinVar:

NM_003242.6(TGFBR2):c.508A>C (p.Ile170Leu)

Gene: TGFBR2 (transforming growth factor beta receptor 2; plus strand). Cytogenetic location: 3p24.1.
Variant type: single nucleotide variant.
Coding change: c.508A>C on transcript NM_003242.6 (MANE Select); coding-DNA position 508, A replaced by C.
Protein change: p.Ile170Leu; replaces isoleucine 170 with leucine.
Molecular consequence: missense variant. On other transcripts: intron variant (1).
Genome position (GRCh38, 1-based): chr3:30,671,691, A>C. VCF-style: chr3-30671691-A-C. GRCh37 (hg19) VCF-style: chr3-30713183-A-C.
Other names: c.691A>C, p.Ile231Leu (NM_001407126.1); c.616A>C, p.Ile206Leu (NM_001407127.1); c.583A>C, p.Ile195Leu (NM_001024847.3); c.535A>C, p.Ile179Leu (NM_001407128.1); c.511A>C, p.Ile171Leu (NM_001407129.1); c.508A>C, p.Ile170Leu (NM_001407130.1); c.403A>C, p.Ile135Leu (NM_001407132.1, NM_001407133.1, NM_001407134.1 and 2 more transcripts); c.223A>C, p.Ile75Leu (NM_001407137.1); and 2 more; short protein forms I135L, I170L, I171L, I179L, I195L, I206L, I231L, I50L.
Identifiers: ClinVar variation 4801605 (VCV004801605.1).

ClinVar aggregate classification (germline): Uncertain significance (1 of 4 stars; one submission).

Conditions:
Familial thoracic aortic aneurysm and aortic dissection (TAAD). Also called: Thoracic aortic aneurysms and dissections. Identifiers: Orphanet 91387, MedGen C4707243, MONDO:0019625.

Submission:

Labcorp Genetics (formerly Invitae), Labcorp
Classification: Uncertain significance for Familial thoracic aortic aneurysm and aortic dissection. Last evaluated: 2025-12-29. Review status: criteria provided, single submitter. Criteria: Invitae Variant Classification Sherloc (09022015). Collection method: clinical testing. Allele origin: germline.
Comment: This sequence change replaces isoleucine, which is neutral and non-polar, with leucine, which is neutral and non-polar, at codon 170 of the TGFBR2 protein (p.Ile170Leu). This variant is not present in population databases (gnomAD no frequency). This variant has not been reported in the literature in individuals affected with TGFBR2-related conditions. Invitae Evidence Modeling of protein sequence and biophysical properties (such as structural, functional, and spatial information, amino acid conservation, physicochemical variation, residue mobility, and thermodynamic stability) indicates that this missense variant is not expected to disrupt TGFBR2 protein function with a negative predictive value of 95%. In summary, the available evidence is currently insufficient to determine the role of this variant in disease. Therefore, it has been classified as a Variant of Uncertain Significance.